The following is an entry in ClinVar:

ClinVar aggregate classification (germline): Likely benign. Review status: criteria provided, single submitter (1 of 4 stars). 2 submissions from 2 submitters: Likely benign (1). 1 of the submissions does not count toward it. Last evaluated 2023-10-25.

Conditions:
ASXL1-related disorder. Also called: ASXL1-related disorders; ASXL1-related condition.

Allele frequency attached by ClinVar (database versions not stated): gnomAD 0.00002; TOPMed 0.00002; ExAC 0.00004; 1000 Genomes Project 30x 0.00016; 1000 Genomes Project 0.00020.
gnomAD v4.1: 26 of 1,614,200 alleles (0.0016%); highest among the groups gnomAD compares: Middle Eastern, 0.033%; no homozygotes.

Submissions (2):

Labcorp Genetics (formerly Invitae), Labcorp
Classification: Likely benign. Last evaluated: 2023-10-25. Review status: criteria provided, single submitter. Criteria: Invitae Variant Classification Sherloc (09022015). Collection method: clinical testing. Allele origin: germline.

PreventionGenetics, part of Exact Sciences
Classification: Likely benign for ASXL1-related condition. Last evaluated: 2023-05-25. Review status: no assertion criteria provided. Collection method: clinical testing. Allele origin: germline. Not counted in ClinVar's aggregate classification.
Comment: This variant is classified as likely benign based on ACMG/AMP sequence variant interpretation guidelines (Richards et al. 2015 PMID: 25741868, with internal and published modifications).

NM_015338.6(ASXL1):c.4179G>A (p.Leu1393=)

Gene: ASXL1 (ASXL transcriptional regulator 1; plus strand). Cytogenetic location: 20q11.21.
Variant type: single nucleotide variant.
Coding change: c.4179G>A on transcript NM_015338.6 (MANE Select); coding-DNA position 4179, G replaced by A.
Protein change: p.Leu1393=; no amino-acid change (leucine 1393 retained).
Molecular consequence: synonymous variant.
Genome position (GRCh38, 1-based): chr20:32,436,891, G>A. VCF-style: chr20-32436891-G-A. GRCh37 (hg19) VCF-style: chr20-31024694-G-A.
Other names: c.3996G>A, p.Leu1332= (NM_001363734.1).
Identifiers: ClinVar variation 2714718 (VCV002714718.5), dbSNP rs201053008, ClinGen allele CA9808985.
Genomic context (GRCh38, chr20:32,436,891, plus strand): 5'-TGTGGGGGGTCCTCTTAAGGCAAATGCCGAGAACAGGAAAGCTACTGGGCATAGTCCCCT[G>A]GAACTGGTGGGTCACTTGGAAGGGATGCCCTTTGTCATGGACTTGCCCTTCTGGAAATTA-3'
Protein context (NP_056153.2, residues 1383-1403): ENRKATGHSP[Leu1393=]ELVGHLEGMP